The following is an entry in ClinVar:

ClinVar aggregate classification (germline): Pathogenic. Review status: criteria provided, multiple submitters, no conflicts (2 of 4 stars). 3 submissions from 3 submitters: Pathogenic (3). Last evaluated 2023-08-10.

Conditions:
Coffin-Siris syndrome 1 (CSS1). Also called: Mental retardation, autosomal dominant 12; ARID1B-Related Coffin-Siris Syndrome. Identifiers: Orphanet 1465, MedGen C3281201, MONDO:0007617, OMIM 135900. Disease mechanism: gain of function.

Submissions (3):

GeneDx
Classification: Pathogenic. Last evaluated: 2023-08-10. Review status: criteria provided, single submitter. Criteria: GeneDx Variant Classification Process June 2021. Collection method: clinical testing. Allele origin: germline. Affected: yes.
Comment: Frameshift variant predicted to result in protein truncation or nonsense mediated decay in a gene for which loss of function is a known mechanism of disease; Not observed at significant frequency in large population cohorts (gnomAD); This variant is associated with the following publications: (PMID: 32170002, 32369273, 35904121)

Eurofins-Biomnis
Classification: Pathogenic for Coffin-Siris syndrome 1. Last evaluated: 2022-09-23. Review status: criteria provided, single submitter. Criteria: Accession Criteria ClinVar Biomnis. Collection method: clinical testing. Allele origin: germline. Affected: yes. Observed: 1 heterozygote.

Mendelics
Classification: Pathogenic for Coffin-Siris syndrome 1. Last evaluated: 2019-05-28. Review status: criteria provided, single submitter. Criteria: Mendelics Assertion Criteria 2017. Collection method: clinical testing. Allele origin: unknown.

NM_001374828.1(ARID1B):c.1451dup (p.Phe485fs)

Gene: ARID1B (AT-rich interaction domain 1B; plus strand). Cytogenetic location: 6q25.3.
Variant type: Duplication.
Coding change: c.1451dup on transcript NM_001374828.1 (MANE Select); coding-DNA position 1451, one base duplicated (G; older notation c.1451dupG).
Protein change: p.Phe485fs; shifts the reading frame from phenylalanine 485.
Molecular consequence: frameshift variant.
Genome position (GRCh38, 1-based): chr6:156,779,131, G duplicated; the last of 6 consecutive G bases (chr6:156,779,126-156,779,131); duplicating any one gives the same sequence. VCF-style (leftmost placement, unchanged base first): chr6-156779125-C-CG. GRCh37 (hg19) VCF-style: chr6-157100259-C-CG.
Other names: c.1451dup, p.Phe485fs (NM_001371656.1, NM_001374820.1, NM_017519.3); c.1202dup (NM_020732.3); short protein forms F485fs.
Identifiers: ClinVar variation 802284 (VCV000802284.3), dbSNP rs1554248082, ClinGen allele CA366384410.